The following is an entry in ClinVar:

NM_007118.4(TRIO):c.338G>T (p.Cys113Phe)

Gene: TRIO (trio Rho guanine nucleotide exchange factor; plus strand). Cytogenetic location: 5p15.2.
Variant type: single nucleotide variant.
Coding change: c.338G>T on transcript NM_007118.4 (MANE Select); coding-DNA position 338, G replaced by T.
Protein change: p.Cys113Phe; replaces cysteine 113 with phenylalanine.
Molecular consequence: missense variant. On other transcripts: non-coding transcript variant (1).
Genome position (GRCh38, 1-based): chr5:14,280,427, G>T. VCF-style: chr5-14280427-G-T. GRCh37 (hg19) VCF-style: chr5-14280536-G-T.
Other names: short protein forms C113F.
Identifiers: ClinVar variation 2574967 (VCV002574967.1), dbSNP rs2532074197, ClinGen allele CA359199124.
Genomic context (GRCh38, chr5:14,280,427, plus strand): 5'-GCAGCAATCATGACAGAATACGACAGGAGGATCTCAGGAGACTCATTTCCTATCTAGCCT[G>T]TATTCCCAGGTAAGTTCTGTGTGGCTTGTGCTTGTCACTGATGTCACATTTACAAGAGAT-3'
Protein context (NP_009049.2, residues 103-123): DLRRLISYLA[Cys113Phe]IPSEEVCKRG

ClinVar aggregate classification (germline): Uncertain significance (1 of 4 stars; one submission).

Submission:

GeneDx
Classification: Uncertain significance. Last evaluated: 2023-02-03. Review status: criteria provided, single submitter. Criteria: GeneDx Variant Classification Process June 2021. Collection method: clinical testing. Allele origin: germline. Affected: yes.
Comment: Not observed at significant frequency in large population cohorts (gnomAD); In silico analysis supports that this missense variant does not alter protein structure/function; Has not been previously published as pathogenic or benign to our knowledge